The following is an entry in ClinVar:

NM_000051.4(ATM):c.2744C>T (p.Thr915Ile)

Gene: ATM (ATM serine/threonine kinase; plus strand). Cytogenetic location: 11q22.3.
Variant type: single nucleotide variant.
Coding change: c.2744C>T on transcript NM_000051.4 (MANE Select); coding-DNA position 2744, C replaced by T.
Protein change: p.Thr915Ile; replaces threonine 915 with isoleucine.
Molecular consequence: missense variant.
Genome position (GRCh38, 1-based): chr11:108,268,515, C>T. VCF-style: chr11-108268515-C-T. GRCh37 (hg19) VCF-style: chr11-108139242-C-T.
Other names: c.2744C>T, p.Thr915Ile (NM_001351834.2); short protein forms T915I.
Identifiers: ClinVar variation 3657223 (VCV003657223.2).

ClinVar aggregate classification (germline): Uncertain significance (1 of 4 stars; one submission).

Conditions:
Ataxia-telangiectasia syndrome (AT). Also called: LOUIS-BAR SYNDROME; Cerebello-oculocutaneous telangiectasia; Immunodeficiency with ataxia telangiectasia; ATAXIA-TELANGIECTASIA, COMPLEMENTATION GROUP A; ATAXIA-TELANGIECTASIA, FRESNO VARIANT; Ataxia-telangiectasia, complementation group D. Identifiers: Orphanet 100, MedGen C0004135, MONDO:0008840, OMIM 208900.

Submission:

Labcorp Genetics (formerly Invitae), Labcorp
Classification: Uncertain significance for Ataxia-telangiectasia syndrome. Last evaluated: 2024-06-21. Review status: criteria provided, single submitter. Criteria: Invitae Variant Classification Sherloc (09022015). Collection method: clinical testing. Allele origin: germline.
Comment: This sequence change replaces threonine, which is neutral and polar, with isoleucine, which is neutral and non-polar, at codon 915 of the ATM protein (p.Thr915Ile). This variant is not present in population databases (gnomAD no frequency). This variant has not been reported in the literature in individuals affected with ATM-related conditions. Algorithms developed to predict the effect of missense changes on protein structure and function output the following: SIFT: "Not Available"; PolyPhen-2: "Benign"; Align-GVGD: "Not Available". The isoleucine amino acid residue is found in multiple mammalian species, which suggests that this missense change does not adversely affect protein function. In summary, the available evidence is currently insufficient to determine the role of this variant in disease. Therefore, it has been classified as a Variant of Uncertain Significance.